The following is an entry in ClinVar:

ClinVar aggregate classification (germline): Uncertain significance (1 of 4 stars; one submission).

Conditions:
Susceptibility to respiratory infections associated with CD8alpha chain mutation (IMD116). Also called: IMMUNODEFICIENCY 116; Cd8 deficiency, familial. Identifiers: Orphanet 169085, MedGen C1837065, MONDO:0012161, OMIM 608957.

Submission:

Labcorp Genetics (formerly Invitae), Labcorp
Classification: Uncertain significance for Cd8 deficiency, familial. Last evaluated: 2018-01-17. Review status: criteria provided, single submitter. Criteria: Invitae Variant Classification Sherloc (09022015). Collection method: clinical testing. Allele origin: germline.
Comment: This sequence change replaces serine with cysteine at codon 121 of the CD8A protein (p.Ser121Cys). The serine residue is highly conserved and there is a moderate physicochemical difference between serine and cysteine. This variant is not present in population databases (ExAC no frequency). This variant has not been reported in the literature in individuals with CD8A-related disease. Algorithms developed to predict the effect of missense changes on protein structure and function (SIFT, PolyPhen-2, Align-GVGD) all suggest that this variant is likely to be disruptive, but these predictions have not been confirmed by published functional studies and their clinical significance is uncertain. In summary, the available evidence is currently insufficient to determine the role of this variant in disease. Therefore, it has been classified as a Variant of Uncertain Significance.

NM_001768.7(CD8A):c.362C>G (p.Ser121Cys)

Gene: CD8A (CD8 subunit alpha; minus strand). Cytogenetic location: 2p11.2.
Variant type: single nucleotide variant.
Coding change: c.362C>G on transcript NM_001768.7 (MANE Select); coding-DNA position 362, C replaced by G.
Protein change: p.Ser121Cys; replaces serine 121 with cysteine.
Molecular consequence: missense variant. On other transcripts: non-coding transcript variant (3).
Genome position (GRCh38, 1-based): chr2:86,790,369, G>C on the plus strand (C>G on the coding strand, the complement: CD8A is on the minus strand). VCF-style: chr2-86790369-G-C. GRCh37 (hg19) VCF-style: chr2-87017492-G-C.
Other names: c.362C>G, p.Ser121Cys (NM_001145873.1, NM_001382698.1, NM_171827.4); short protein forms S121C.
Identifiers: ClinVar variation 576642 (VCV000576642.1), dbSNP rs1558735534, ClinGen allele CA347576774.